The following is an entry in ClinVar:

NM_001382241.1(TNPO2):c.1794C>A (p.Phe598Leu)

Gene: TNPO2 (transportin 2; minus strand). Cytogenetic location: 19p13.13.
Variant type: single nucleotide variant.
Coding change: c.1794C>A on transcript NM_001382241.1 (MANE Select); coding-DNA position 1794, C replaced by A.
Protein change: p.Phe598Leu; replaces phenylalanine 598 with leucine.
Molecular consequence: missense variant. On other transcripts: non-coding transcript variant (6).
Genome position (GRCh38, 1-based): chr19:12,705,561, G>T on the plus strand (C>A on the coding strand, the complement: TNPO2 is on the minus strand). VCF-style: chr19-12705561-G-T. GRCh37 (hg19) VCF-style: chr19-12816375-G-T.
Other names: c.1794C>A, p.Phe598Leu (NM_001136195.2, NM_001136196.2, NM_001382236.1 and 7 more transcripts); short protein forms F598L.
Identifiers: ClinVar variation 1307430 (VCV001307430.2), dbSNP rs755260534, ClinGen allele CA404239757.
Genomic context (GRCh38, chr19:12,705,561, plus strand): 5'-AGCCAGTGTCTTCTGCACCAGGGTGACACAGCGCTGGTAGACGGGCTCACAGTAAGGCAG[G>T]AAGCCACTCTGCAGGGCGGTGGCCACCGATGACAGACACTGGCAGGGAGGAAGGCAGGTG-3'
Protein context (NP_001369170.1, residues 588-608): SSVATALQSG[Phe598Leu]LPYCEPVYQR

ClinVar aggregate classification (germline): Uncertain significance (1 of 4 stars; one submission).

Submission:

GeneDx
Classification: Uncertain significance. Last evaluated: 2019-08-14. Review status: criteria provided, single submitter. Criteria: GeneDx Variant Classification Process June 2021. Collection method: clinical testing. Allele origin: germline. Affected: yes.
Comment: Not observed in large population cohorts (Lek et al., 2016); In silico analysis, which includes protein predictors and evolutionary conservation, supports a deleterious effect; Has not been previously published as pathogenic or benign to our knowledge; Variants in candidate genes are classified as variants of uncertain significance in accordance with ACMG guidelines (Richards et al., 2015)